The following is an entry in ClinVar:

ClinVar aggregate classification (germline): Uncertain significance. Review status: criteria provided, multiple submitters, no conflicts (2 of 4 stars). 3 submissions from 3 submitters: Uncertain significance (3). Last evaluated 2025-12-29.

Conditions:
Inborn genetic diseases. Identifiers: MedGen C0950123, MeSH D030342.

Allele frequency attached by ClinVar (database versions not stated): gnomAD exomes 0.00001 and below 0.00001; TOPMed 0.00002; gnomAD 0.00001.
gnomAD v4.1: 4 of 1,197,058 alleles (0.00033%); highest among the groups gnomAD compares: Admixed American, 0.0088%; no homozygotes.

Submissions (3):

Ambry Genetics
Classification: Uncertain significance for Inborn genetic diseases. Last evaluated: 2025-12-29. Review status: criteria provided, single submitter. Criteria: Ambry Variant Classification Scheme 2023. Collection method: clinical testing. Allele origin: germline.
Comment: The c.1999A>G (p.S667G) alteration is located in exon 12 (coding exon 12) of the GRIA3 gene. This alteration results from a A to G substitution at nucleotide position 1999, causing the serine (S) at amino acid position 667 to be replaced by a glycine (G). Based on data from gnomAD, the G allele has an overall frequency of 0.001% (2/182758) total alleles studied. The highest observed frequency was 0.007% (2/27359) of Latino alleles. Based on insufficient or conflicting evidence, the clinical significance of this alteration remains unclear.

Labcorp Genetics (formerly Invitae), Labcorp
Classification: Uncertain significance. Last evaluated: 2025-01-30. Review status: criteria provided, single submitter. Criteria: Invitae Variant Classification Sherloc (09022015). Collection method: clinical testing. Allele origin: germline.
Comment: This sequence change replaces serine, which is neutral and polar, with glycine, which is neutral and non-polar, at codon 667 of the GRIA3 protein (p.Ser667Gly). This variant is present in population databases (no rsID available, gnomAD 0.008%). This variant has not been reported in the literature in individuals affected with GRIA3-related conditions. ClinVar contains an entry for this variant (Variation ID: 391361). Invitae Evidence Modeling of protein sequence and biophysical properties (such as structural, functional, and spatial information, amino acid conservation, physicochemical variation, residue mobility, and thermodynamic stability) indicates that this missense variant is not expected to disrupt GRIA3 protein function with a negative predictive value of 80%. In summary, the available evidence is currently insufficient to determine the role of this variant in disease. Therefore, it has been classified as a Variant of Uncertain Significance.

GeneDx
Classification: Uncertain significance. Last evaluated: 2021-07-30. Review status: criteria provided, single submitter. Criteria: GeneDx Variant Classification Process June 2021. Collection method: clinical testing. Allele origin: germline. Affected: yes.
Comment: Has not been previously published as pathogenic or benign to our knowledge; In silico analysis supports that this missense variant has a deleterious effect on protein structure/function

NM_007325.5(GRIA3):c.1999A>G (p.Ser667Gly)

Gene: GRIA3 (glutamate ionotropic receptor AMPA type subunit 3; plus strand). Cytogenetic location: Xq25.
Variant type: single nucleotide variant.
Coding change: c.1999A>G on transcript NM_007325.5 (MANE Select); coding-DNA position 1999, A replaced by G.
Protein change: p.Ser667Gly; replaces serine 667 with glycine.
Molecular consequence: missense variant.
Genome position (GRCh38, 1-based): chrX:123,428,062, A>G. VCF-style: chrX-123428062-A-G. GRCh37 (hg19) VCF-style: chrX-122561913-A-G.
Other names: c.1999A>G, p.Ser667Gly (NM_000828.5); short protein forms S667G.
Identifiers: ClinVar variation 391361 (VCV000391361.11), dbSNP rs1057524053, ClinGen allele CA16608687.